The following is an entry in ClinVar:

NM_001367721.1(CASK):c.1018C>A (p.Leu340Ile)

Gene: CASK (calcium/calmodulin dependent serine protein kinase; minus strand). Cytogenetic location: Xp11.4.
Variant type: single nucleotide variant.
Coding change: c.1018C>A on transcript NM_001367721.1 (MANE Select); coding-DNA position 1018, C replaced by A.
Protein change: p.Leu340Ile; replaces leucine 340 with isoleucine.
Molecular consequence: missense variant. On other transcripts: intron variant (2).
Genome position (GRCh38, 1-based): chrX:41,622,632, G>T on the plus strand (C>A on the coding strand, the complement: CASK is on the minus strand). VCF-style: chrX-41622632-G-T. GRCh37 (hg19) VCF-style: chrX-41481885-G-T.
Other names: c.1018C>A, p.Leu340Ile (NM_001126054.3, NM_003688.4); c.1015+3972C>A (NM_001126055.3, NM_001410745.1); short protein forms L340I.
Identifiers: ClinVar variation 3658706 (VCV003658706.2).

ClinVar aggregate classification (germline): Uncertain significance (1 of 4 stars; one submission).

Conditions:
Intellectual disability, CASK-related, X-linked. Identifiers: MedGen CN043158.

Submission:

Labcorp Genetics (formerly Invitae), Labcorp
Classification: Uncertain significance for Intellectual disability, CASK-related, X-linked. Last evaluated: 2024-07-03. Review status: criteria provided, single submitter. Criteria: Invitae Variant Classification Sherloc (09022015). Collection method: clinical testing. Allele origin: germline.
Comment: This sequence change replaces leucine, which is neutral and non-polar, with isoleucine, which is neutral and non-polar, at codon 340 of the CASK protein (p.Leu340Ile). This variant is not present in population databases (gnomAD no frequency). This variant has not been reported in the literature in individuals affected with CASK-related conditions. An algorithm developed to predict the effect of missense changes on protein structure and function (PolyPhen-2) suggests that this variant is likely to be tolerated. In summary, the available evidence is currently insufficient to determine the role of this variant in disease. Therefore, it has been classified as a Variant of Uncertain Significance.